The following is an entry in ClinVar:

NM_001291415.2(KDM6A):c.4337C>T (p.Pro1446Leu)

Gene: KDM6A (lysine demethylase 6A; plus strand). Cytogenetic location: Xp11.3.
Variant type: single nucleotide variant.
Coding change: c.4337C>T on transcript NM_001291415.2 (MANE Select); coding-DNA position 4337, C replaced by T.
Protein change: p.Pro1446Leu; replaces proline 1446 with leucine.
Molecular consequence: missense variant. On other transcripts: non-coding transcript variant (1).
Genome position (GRCh38, 1-based): chrX:45,111,386, C>T. VCF-style: chrX-45111386-C-T. GRCh37 (hg19) VCF-style: chrX-44970631-C-T.
Other names: c.4202C>T, p.Pro1401Leu (NM_001291416.2); c.4046C>T, p.Pro1349Leu (NM_001291417.2); c.3944C>T, p.Pro1315Leu (NM_001291418.2); c.3293C>T, p.Pro1098Leu (NM_001291421.2); c.4079C>T, p.Pro1360Leu (NM_001410742.1); c.4445C>T, p.Pro1482Leu (NM_001419809.1); c.4343C>T, p.Pro1448Leu (NM_001419810.1); c.4310C>T, p.Pro1437Leu (NM_001419811.1); and 5 more; short protein forms P1098L, P1315L, P1349L, P1351L, P1360L, P1394L, P1396L, P1401L.
Identifiers: ClinVar variation 3360135 (VCV003360135.1).
Genomic context (GRCh38, chrX:45,111,386, plus strand): 5'-CCATGAGCTATTAACAATTTGTATATCAAAATAACCTACCTTACTTTTATTTTCAGGCTC[C>T]TCCATTACCATCCGCCTCATCTTGATATTGTTCCATGGACATTAAATGAGACCTTTTCTG-3'
Protein context (NP_001278344.1, residues 1436-1453): MQVYDQFTLA[Pro1446Leu]PLPSASS

ClinVar aggregate classification (germline): Uncertain significance (1 of 4 stars; one submission).

Submission:

GeneDx
Classification: Uncertain significance. Last evaluated: 2023-06-25. Review status: criteria provided, single submitter. Criteria: GeneDx Variant Classification Process June 2021. Collection method: clinical testing. Allele origin: germline. Affected: yes.
Comment: Not observed at significant frequency in large population cohorts (gnomAD); In silico analysis supports that this missense variant does not alter protein structure/function; Has not been previously published as pathogenic or benign to our knowledge